The following is an entry in ClinVar:

NM_002485.5(NBN):c.584+2T>C

Gene: NBN (nibrin; minus strand). Cytogenetic location: 8q21.3.
Variant type: single nucleotide variant.
Coding change: c.584+2T>C on transcript NM_002485.5 (MANE Select); the canonical splice donor site of the intron after coding-DNA position 584, T replaced by C.
Molecular consequence: splice donor variant.
Genome position (GRCh38, 1-based): chr8:89,978,218, A>G on the plus strand (T>C on the coding strand, the complement: NBN is on the minus strand). VCF-style: chr8-89978218-A-G. GRCh37 (hg19) VCF-style: chr8-90990446-A-G.
Other names: c.338+2T>C (NM_001024688.3).
Identifiers: ClinVar variation 813459 (VCV000813459.17), dbSNP rs1586101154, ClinGen allele CA371660050.

ClinVar aggregate classification (germline): Pathogenic/Likely pathogenic. Review status: criteria provided, multiple submitters, no conflicts (2 of 4 stars). 5 submissions from 4 submitters: Pathogenic (1); Likely pathogenic (3). 1 of the submissions does not count toward it. Last evaluated 2023-03-10.

Conditions:
Microcephaly, normal intelligence and immunodeficiency (NBS). Also called: Nijmegen breakage syndrome; Microcephaly with normal intelligence immunodeficiency and lymphoreticular malignancies; Nonsyndromal microcephaly autosomal recessive with normal intelligence; Seemanova syndrome 2; Immunodeficiency, microcephaly with normal intelligence; Ataxia telangiectasia variant V1. Identifiers: Orphanet 647, MedGen C0398791, MONDO:0009623, OMIM 251260.
Hereditary cancer-predisposing syndrome. Also called: Hereditary Cancer Syndrome; Neoplastic Syndromes, Hereditary; Hereditary neoplastic syndrome; Tumor predisposition. Identifiers: Orphanet 140162, MedGen C0027672, MeSH D009386, MONDO:0015356.
Aplastic anemia. Identifiers: Orphanet 182040, Orphanet 88, MedGen C0002874, MONDO:0015909, OMIM 609135, HP:0001915.

Submissions (5):

Baylor Genetics
Classification: Likely pathogenic for Aplastic anemia. Last evaluated: 2023-03-10. Review status: criteria provided, single submitter. Criteria: ACMG Guidelines, 2015. Collection method: clinical testing. Allele origin: unknown.

Genome-Nilou Lab
Classification: Pathogenic for Microcephaly, normal intelligence and immunodeficiency. Last evaluated: 2021-11-07. Review status: criteria provided, single submitter. Criteria: ACMG Guidelines, 2015. Collection method: clinical testing. Allele origin: germline. Affected: no.

Labcorp Genetics (formerly Invitae), Labcorp
Classification: Likely pathogenic for Microcephaly, normal intelligence and immunodeficiency. Last evaluated: 2019-09-30. Review status: criteria provided, single submitter. Criteria: Invitae Variant Classification Sherloc (09022015). Collection method: clinical testing. Allele origin: germline.
Comment: This variant has not been reported in the literature in individuals with NBN-related conditions. In summary, the currently available evidence indicates that the variant is pathogenic, but additional data are needed to prove that conclusively. Therefore, this variant has been classified as Likely Pathogenic. Donor and acceptor splice site variants typically lead to a loss of protein function (PMID: 16199547), and loss-of-function variants in NBN are known to be pathogenic (PMID: 9590180, 16415040). Algorithms developed to predict the effect of sequence changes on RNA splicing suggest that this variant may disrupt the consensus splice site, but this prediction has not been confirmed by published transcriptional studies. This variant is not present in population databases (ExAC no frequency). This sequence change affects a donor splice site in intron 5 of the NBN gene. It is expected to disrupt RNA splicing and likely results in an absent or disrupted protein product.

Ambry Genetics
Classification: Likely pathogenic for Hereditary cancer-predisposing syndrome. Last evaluated: 2019-03-13. Review status: criteria provided, single submitter. Criteria: Ambry Variant Classification Scheme 2023. Collection method: clinical testing. Allele origin: germline.
Comment: The c.584+2T>C intronic variant results from a T to C substitution two nucleotides after coding exon 5 in the NBN gene. This nucleotide position is highly conserved in available vertebrate species. Using the BDGP and ESEfinder splice site prediction tools, this alteration is predicted to abolish the native splice donor site; however, direct evidence is unavailable. Alterations that disrupt the canonical splice site are expected to cause aberrant splicing, resulting in an abnormal protein or a transcript that is subject to nonsense-mediated mRNA decay. As such, this alteration is classified as likely pathogenic.

Baylor Genetics
Classification: Likely pathogenic for Microcephaly, normal intelligence and immunodeficiency. Review status: no assertion criteria provided. Collection method: clinical testing. Allele origin: unknown. Not counted in ClinVar's aggregate classification.

Literature cited by the submitters: PubMed 16199547 (cited by Labcorp Genetics (formerly Invitae), Labcorp); PubMed 9590180 (cited by Labcorp Genetics (formerly Invitae), Labcorp); PubMed 16415040 (cited by Labcorp Genetics (formerly Invitae), Labcorp).